The following is an entry in ClinVar:

NM_001378452.1(ITPR1):c.2354T>A (p.Leu785His)

Gene: ITPR1 (inositol 1,4,5-trisphosphate receptor type 1; plus strand). Cytogenetic location: 3p26.1.
Variant type: single nucleotide variant.
Coding change: c.2354T>A on transcript NM_001378452.1 (MANE Select); coding-DNA position 2354, T replaced by A.
Protein change: p.Leu785His; replaces leucine 785 with histidine.
Molecular consequence: missense variant.
Genome position (GRCh38, 1-based): chr3:4,673,285, T>A. VCF-style: chr3-4673285-T-A. GRCh37 (hg19) VCF-style: chr3-4714969-T-A.
Other names: c.2354T>A, p.Leu785His (NM_001099952.4); c.2309T>A, p.Leu770His (NM_001168272.2, NM_002222.7); short protein forms L770H, L785H.
Identifiers: ClinVar variation 1251957 (VCV001251957.1), dbSNP rs2125214071, ClinGen allele CA351646904.

ClinVar aggregate classification (germline): Uncertain significance (1 of 4 stars; one submission).

Conditions:
Gillespie syndrome (GLSP). Also called: Aniridia, cerebellar ataxia, and mental deficiency; Aniridia-cerebellar ataxia-intellectual disability syndrome. Identifiers: Orphanet 1065, MedGen C0431401, MONDO:0008795, OMIM 206700.

Submission:

HudsonAlpha Institute for Biotechnology
Classification: Uncertain significance for Gillespie syndrome. Last evaluated: 2021-08-09. Review status: criteria provided, single submitter. Criteria: ACMG Guidelines, 2015. Collection method: research. Allele origin: paternal. Observed: 1 variant allele. Study: HudsonAlpha-AGHI-WGS.
Comment: ACMG codes:PM2, PP3